The following is an entry in ClinVar:

NM_001199107.2(TBC1D24):c.984G>A (p.Arg328=)

Gene: TBC1D24 (TBC1 domain family member 24; plus strand). Cytogenetic location: 16p13.3.
Variant type: single nucleotide variant.
Coding change: c.984G>A on transcript NM_001199107.2 (MANE Select); coding-DNA position 984, G replaced by A.
Protein change: p.Arg328=; no amino-acid change (arginine 328 retained).
Molecular consequence: synonymous variant.
Genome position (GRCh38, 1-based): chr16:2,498,238, G>A. VCF-style: chr16-2498238-G-A. GRCh37 (hg19) VCF-style: chr16-2548239-G-A.
Other names: c.966G>A, p.Arg322= (NM_020705.3).
Identifiers: ClinVar variation 1504745 (VCV001504745.6), dbSNP rs774492330, ClinGen allele CA7844130.

ClinVar aggregate classification (germline): Uncertain significance (1 of 4 stars; one submission).

Conditions:
Autosomal dominant nonsyndromic hearing loss 65. Also called: Deafness, autosomal dominant 65; TBC1D24-Related Autosomal Dominant Nonsyndromic Hearing Loss (DFNA). Identifiers: Orphanet 90635, MedGen C3892048, MONDO:0014470, OMIM 616044.
Developmental and epileptic encephalopathy, 1 (DEE1). Also called: X-linked infantile spasms; West's syndrome; Tonic spasms with clustering, arrest of psychomotor development and hypsarrhythmia on EEG; X-Linked Infantile Spasm Syndrome; OHTAHARA SYNDROME, X-LINKED; INFANTILE SPASM SYNDROME, X-LINKED 1. Identifiers: MedGen C3463992, MONDO:0010632, OMIM 308350. Disease mechanism: loss of function.

Allele frequency attached by ClinVar (database versions not stated): ExAC 0.00002; gnomAD exomes below 0.00001; TOPMed below 0.00001.

Submission:

Labcorp Genetics (formerly Invitae), Labcorp
Classification: Uncertain significance for Developmental and epileptic encephalopathy, 1; Autosomal dominant nonsyndromic hearing loss 65. Last evaluated: 2021-08-19. Review status: criteria provided, single submitter. Criteria: Invitae Variant Classification Sherloc (09022015). Collection method: clinical testing. Allele origin: germline.
Comment: This sequence change affects codon 328 of the TBC1D24 mRNA. It is a 'silent' change, meaning that it does not change the encoded amino acid sequence of the TBC1D24 protein. It affects a nucleotide within the consensus splice site of the intron. This variant is present in population databases (rs774492330, ExAC 0.02%). This variant has not been reported in the literature in individuals affected with TBC1D24-related conditions. Algorithms developed to predict the effect of sequence changes on RNA splicing suggest that this variant is not likely to affect RNA splicing. In summary, the available evidence is currently insufficient to determine the role of this variant in disease. Therefore, it has been classified as a Variant of Uncertain Significance.